The following is an entry in ClinVar:

ClinVar aggregate classification (germline): Benign/Likely benign. Review status: criteria provided, multiple submitters, no conflicts (2 of 4 stars). 7 submissions from 5 submitters: Benign (4); Likely benign (3). Last evaluated 2025-06-19.

Conditions:
Neurodevelopmental disorder with hyperkinetic movements and dyskinesia. Identifiers: MedGen C5562038, MONDO:0859211, OMIM 619651.
Dyskinesia with orofacial involvement, autosomal recessive. Identifiers: MedGen C5562036, MONDO:0030625, OMIM 619647.
Dyskinesia with orofacial involvement, autosomal dominant (DSKOD). Also called: Dyskinesia, familial, with facial myokymia; Familial Dyskinesia with Facial Myokymia (FDFM); Familial dyskinesia and facial myokymia. Identifiers: Orphanet 324588, MedGen C1847627, MONDO:0800028, OMIM 606703.

Allele frequency attached by ClinVar (database versions not stated): ESP Exome Variant Server 0.00016; TOPMed 0.00036; gnomAD 0.00047 and 0.00064; 1000 Genomes Project 0.00060; 1000 Genomes Project 30x 0.00062; ExAC 0.00068.
gnomAD v4.1: 681 of 1,599,914 alleles (0.043%); highest among the groups gnomAD compares: Non-Finnish European, 0.048%; no homozygotes.

Submissions (7):

Labcorp Genetics (formerly Invitae), Labcorp
Classification: Benign. Last evaluated: 2025-06-19. Review status: criteria provided, single submitter. Criteria: Invitae Variant Classification Sherloc (09022015). Collection method: clinical testing. Allele origin: germline.

Laboratory of Genetics, Children's Clinical University Hospital Latvia
Classification: Likely benign. Last evaluated: 2025-02-16. Review status: criteria provided, single submitter. Criteria: ACMG Guidelines, 2015. Collection method: clinical testing. Allele origin: germline. Affected: yes.

CeGaT Center for Human Genetics Tuebingen
Classification: Likely benign. Last evaluated: 2025-01-01. Review status: criteria provided, single submitter. Criteria: CeGaT Center For Human Genetics Tuebingen Variant Classification Criteria Version 2. Collection method: clinical testing. Allele origin: germline. Affected: yes. Observed: 2 variant alleles.
Comment: ADCY5: BP4, BP7

Blueprint Genetics
Classification: Likely benign. Last evaluated: 2024-10-28. Review status: criteria provided, single submitter. Criteria: ACMG Guidelines, 2015. Collection method: clinical testing. Allele origin: germline.

Genome-Nilou Lab
Classification: Benign for Dyskinesia with orofacial involvement, autosomal dominant. Last evaluated: 2021-12-05. Review status: criteria provided, single submitter. Criteria: ACMG Guidelines, 2015. Collection method: clinical testing. Allele origin: germline. Affected: no.

Genome-Nilou Lab
Classification: Benign for Dyskinesia with orofacial involvement, autosomal recessive. Last evaluated: 2021-12-05. Review status: criteria provided, single submitter. Criteria: ACMG Guidelines, 2015. Collection method: clinical testing. Allele origin: germline. Affected: no.

Genome-Nilou Lab
Classification: Benign for Neurodevelopmental disorder with hyperkinetic movements and dyskinesia. Last evaluated: 2021-12-05. Review status: criteria provided, single submitter. Criteria: ACMG Guidelines, 2015. Collection method: clinical testing. Allele origin: germline. Affected: no.

NM_183357.3(ADCY5):c.816C>A (p.Ala272=)

Gene: ADCY5 (adenylate cyclase 5; minus strand). Cytogenetic location: 3q21.1.
Variant type: single nucleotide variant.
Coding change: c.816C>A on transcript NM_183357.3 (MANE Select); coding-DNA position 816, C replaced by A.
Protein change: p.Ala272=; no amino-acid change (alanine 272 retained).
Molecular consequence: synonymous variant.
Genome position (GRCh38, 1-based): chr3:123,447,730, G>T on the plus strand (C>A on the coding strand, the complement: ADCY5 is on the minus strand). VCF-style: chr3-123447730-G-T. GRCh37 (hg19) VCF-style: chr3-123166577-G-T.
Other names: c.816C>A, p.Ala272= (NM_001378259.1).
Identifiers: ClinVar variation 703359 (VCV000703359.50), dbSNP rs199689389, ClinGen allele CA2577633.